The following is an entry in ClinVar:

NM_000489.6(ATRX):c.2650G>A (p.Glu884Lys)

Gene: ATRX (ATRX chromatin remodeler; minus strand). Cytogenetic location: Xq21.1.
Variant type: single nucleotide variant.
Coding change: c.2650G>A on transcript NM_000489.6 (MANE Select); coding-DNA position 2650, G replaced by A.
Protein change: p.Glu884Lys; replaces glutamic acid 884 with lysine.
Molecular consequence: missense variant.
Genome position (GRCh38, 1-based): chrX:77,682,606, C>T on the plus strand (G>A on the coding strand, the complement: ATRX is on the minus strand). VCF-style: chrX-77682606-C-T. GRCh37 (hg19) VCF-style: chrX-76938098-C-T.
Other names: c.2536G>A, p.Glu846Lys (NM_138270.5); short protein forms E884K, E846K.
Identifiers: ClinVar variation 133657 (VCV000133657.25), dbSNP rs200343648, ClinGen allele CA157236.
Genomic context (GRCh38, chrX:77,682,606, plus strand): 5'-ATTCCATGATGGTCGTGTCTTTATCAACTGTGCCTTCTGCTGAAGAGAAAGTCTCTCTCT[C>T]TTGTTTTCTTTCAGCATCATCAGATGATCCTTCTTGTGAGGTCTTCAAATTTTTGTGCCC-3'
Protein context (NP_000480.3, residues 874-894): GSSDDAERKQ[Glu884Lys]RETFSSAEGT

ClinVar aggregate classification (germline): Benign/Likely benign. Review status: criteria provided, multiple submitters, no conflicts (2 of 4 stars). 7 submissions from 7 submitters: Benign (1); Likely benign (4). 2 of the submissions do not count toward it. Last evaluated 2026-03-12.

Conditions:
Inborn genetic diseases. Identifiers: MedGen C0950123, MeSH D030342.
ATRX-related disorder. Also called: ATRX-related condition.
Alpha thalassemia-X-linked intellectual disability syndrome (ATRX). Also called: X-linked alpha-thalassemia-mental retardation syndrome; ALPHA-THALASSEMIA/MENTAL RETARDATION SYNDROME, X-LINKED; ATR, NONDELETION TYPE; ATR-X syndrome; Alpha thalassemia mental retardation syndrome, nondeletion type, X-linked; XLMR hypotonic face syndrome. Identifiers: Orphanet 847, MedGen C1845055, MONDO:0010519, OMIM 301040.

Allele frequency attached by ClinVar (database versions not stated): ESP Exome Variant Server 0.00009; gnomAD 0.00013; gnomAD exomes 0.00019 and 0.00026; TOPMed 0.00019; ExAC 0.00030.
gnomAD v4.1: 225 of 1,208,675 alleles (0.019%); highest among the groups gnomAD compares: Admixed American, 0.074%; no homozygotes.

Submissions (7):

PreventionGenetics, part of Exact Sciences
Classification: Likely benign for ATRX-related condition. Last evaluated: 2026-03-12. Review status: criteria provided, single submitter. Criteria: ACMG Guidelines, 2015. Collection method: clinical testing. Allele origin: germline.
Comment: This variant is classified as likely benign based on ACMG/AMP sequence variant interpretation guidelines (Richards et al. 2015 PMID: 25741868, with internal and published modifications).

Labcorp Genetics (formerly Invitae), Labcorp
Classification: Benign for Alpha thalassemia-X-linked intellectual disability syndrome. Last evaluated: 2026-02-01. Review status: criteria provided, single submitter. Criteria: Invitae Variant Classification Sherloc (09022015). Collection method: clinical testing. Allele origin: germline.

Blueprint Genetics
Classification: Likely benign. Last evaluated: 2024-05-24. Review status: criteria provided, single submitter. Criteria: ACMG Guidelines, 2015. Collection method: clinical testing. Allele origin: germline.

GeneDx
Classification: Likely benign. Last evaluated: 2020-09-17. Review status: criteria provided, single submitter. Criteria: GeneDx Variant Classification Process June 2021. Collection method: clinical testing. Allele origin: germline. Affected: yes.

Ambry Genetics
Classification: Likely benign for Inborn genetic diseases. Last evaluated: 2016-10-04. Review status: criteria provided, single submitter. Criteria: Ambry Variant Classification Scheme 2023. Collection method: clinical testing. Allele origin: germline.

Natera, Inc.
Classification: Likely benign for X-linked alpha-thalassemia-mental retardation syndrome. Last evaluated: 2020-01-25. Review status: no assertion criteria provided. Collection method: clinical testing. Allele origin: germline. Not counted in ClinVar's aggregate classification.

ITMI
No classification provided. Condition: AllHighlyPenetrant. Last evaluated: 2013-09-19. Review status: no classification provided. Collection method: reference population. Allele origin: germline. Not counted in ClinVar's aggregate classification.
Comment: Please see associated publication for description of ethnicities

Literature cited by the submitters: PubMed 24728327 (cited by ITMI).